The following is an entry in ClinVar:

ClinVar aggregate classification (germline): Likely benign (1 of 4 stars; one submission).

Submission:

GeneDx
Classification: Likely benign. Last evaluated: 2017-03-02. Review status: criteria provided, single submitter. Criteria: GeneDx Variant Classification (06012015). Collection method: clinical testing. Allele origin: germline. Affected: yes.
Comment: This variant is considered likely benign or benign based on one or more of the following criteria: it is a conservative change, it occurs at a poorly conserved position in the protein, it is predicted to be benign by multiple in silico algorithms, and/or has population frequency not consistent with disease.

NM_003238.6(TGFB2):c.-45dup

Gene: TGFB2 (transforming growth factor beta 2; plus strand). Cytogenetic location: 1q41.
Variant type: Duplication.
Coding change: c.-45dup on transcript NM_003238.6 (MANE Select); 45 bases upstream of the start codon, one base duplicated (T; older notation c.-45dupT).
Molecular consequence: 5 prime UTR variant. On other transcripts: non-coding transcript variant (2).
Genome position (GRCh38, 1-based): chr1:218,346,657, T duplicated; the last of 8 consecutive T bases (chr1:218,346,650-218,346,657); duplicating any one gives the same sequence. VCF-style (leftmost placement, unchanged base first): chr1-218346649-C-CT. GRCh37 (hg19) VCF-style: chr1-218519991-C-CT.
Other names: c.-45dup (NM_001135599.4).
Identifiers: ClinVar variation 507761 (VCV000507761.1), dbSNP rs200186989, ClinGen allele CA658795599.